The following is an entry in ClinVar:

ClinVar aggregate classification (germline): Uncertain significance. Review status: criteria provided, multiple submitters, no conflicts (2 of 4 stars). 2 submissions from 2 submitters: Uncertain significance (2). Last evaluated 2026-02-27.

Conditions:
Hereditary cancer-predisposing syndrome. Also called: Hereditary Cancer Syndrome; Neoplastic Syndromes, Hereditary; Tumor predisposition; Hereditary neoplastic syndrome. Identifiers: Orphanet 140162, MedGen C0027672, MeSH D009386, MONDO:0015356.

Allele frequency attached by ClinVar (database versions not stated): gnomAD exomes below 0.00001.

Submissions (2):

Ambry Genetics
Classification: Uncertain significance for Hereditary cancer-predisposing syndrome. Last evaluated: 2026-02-27. Review status: criteria provided, single submitter. Criteria: Ambry Variant Classification Scheme 2023. Collection method: clinical testing. Allele origin: germline.

Labcorp Genetics (formerly Invitae), Labcorp
Classification: Uncertain significance. Last evaluated: 2025-09-09. Review status: criteria provided, single submitter. Criteria: Invitae Variant Classification Sherloc (09022015). Collection method: clinical testing. Allele origin: germline.
Comment: This sequence change replaces lysine, which is basic and polar, with glutamic acid, which is acidic and polar, at codon 1383 of the POLE protein (p.Lys1383Glu). This variant is present in population databases (no rsID available, gnomAD no frequency). This variant has not been reported in the literature in individuals affected with POLE-related conditions. ClinVar contains an entry for this variant (Variation ID: 1010017). An algorithm developed to predict the effect of missense changes on protein structure and function (PolyPhen-2) suggests that this variant is likely to be tolerated. In summary, the available evidence is currently insufficient to determine the role of this variant in disease. Therefore, it has been classified as a Variant of Uncertain Significance.

NM_006231.4(POLE):c.4147A>G (p.Lys1383Glu)

Gene: POLE (DNA polymerase epsilon, catalytic subunit; minus strand). Cytogenetic location: 12q24.33.
Variant type: single nucleotide variant.
Coding change: c.4147A>G on transcript NM_006231.4 (MANE Select); coding-DNA position 4147, A replaced by G.
Protein change: p.Lys1383Glu; replaces lysine 1383 with glutamic acid.
Molecular consequence: missense variant.
Genome position (GRCh38, 1-based): chr12:132,648,931, T>C on the plus strand (A>G on the coding strand, the complement: POLE is on the minus strand). VCF-style: chr12-132648931-T-C. GRCh37 (hg19) VCF-style: chr12-133225517-T-C.
Other names: c.4147A>G (NM_006231.2); short protein forms K1383E.
Identifiers: ClinVar variation 1010017 (VCV001010017.10), dbSNP rs1274176724, ClinGen allele CA387383566.
Genomic context (GRCh38, chr12:132,648,931, plus strand): 5'-GGGAAAGCCACCTCAGGCTGCCCAGATGACTGCAGAGGCAGCACCAGCTCCTCCCTACCT[T>C]GCGATACGAAGCACCCTCCTCCGCTTTAGCGACTCGCTGGTTCACGTAGAACACACGGGG-3'
Protein context (NP_006222.2, residues 1373-1393): AKAEEGASYR[Lys1383Glu]VNRVLPRSNM